The following is an entry in ClinVar:

NM_001083926.2(ASRGL1):c.724A>C (p.Lys242Gln)

Gene: ASRGL1 (asparaginase and isoaspartyl peptidase 1; plus strand). Cytogenetic location: 11q12.3.
Variant type: single nucleotide variant.
Coding change: c.724A>C on transcript NM_001083926.2 (MANE Select); coding-DNA position 724, A replaced by C.
Protein change: p.Lys242Gln; replaces lysine 242 with glutamine.
Molecular consequence: missense variant.
Genome position (GRCh38, 1-based): chr11:62,392,081, A>C. VCF-style: chr11-62392081-A-C. GRCh37 (hg19) VCF-style: chr11-62159553-A-C.
Other names: c.724A>C, p.Lys242Gln (NM_025080.4); c.724A>C (NM_001083926.1); short protein forms K242Q.
Identifiers: ClinVar variation 1009743 (VCV001009743.11), dbSNP rs144871449, ClinGen allele CA6043317.

ClinVar aggregate classification (germline): Uncertain significance. Review status: criteria provided, multiple submitters, no conflicts (2 of 4 stars). 2 submissions from 2 submitters: Uncertain significance (2). Last evaluated 2025-08-03.

Allele frequency attached by ClinVar (database versions not stated): gnomAD exomes 0.00001 and 0.00004; ExAC 0.00006; gnomAD 0.00009; TOPMed 0.00009; 1000 Genomes Project 30x 0.00016; 1000 Genomes Project 0.00020; ESP Exome Variant Server 0.00031.
gnomAD v4.1: 29 of 1,614,176 alleles (0.0018%); highest among the groups gnomAD compares: African/African-American, 0.039%; no homozygotes.

Submissions (2):

Labcorp Genetics (formerly Invitae), Labcorp
Classification: Uncertain significance. Last evaluated: 2025-08-03. Review status: criteria provided, single submitter. Criteria: Invitae Variant Classification Sherloc (09022015). Collection method: clinical testing. Allele origin: germline.
Comment: This sequence change replaces lysine, which is basic and polar, with glutamine, which is neutral and polar, at codon 242 of the ASRGL1 protein (p.Lys242Gln). This variant is present in population databases (rs144871449, gnomAD 0.03%). This variant has not been reported in the literature in individuals affected with ASRGL1-related conditions. ClinVar contains an entry for this variant (Variation ID: 1009743). An algorithm developed to predict the effect of missense changes on protein structure and function (PolyPhen-2) suggests that this variant is likely to be tolerated. In summary, the available evidence is currently insufficient to determine the role of this variant in disease. Therefore, it has been classified as a Variant of Uncertain Significance.

Ambry Genetics
Classification: Uncertain significance. Last evaluated: 2025-02-27. Review status: criteria provided, single submitter. Criteria: Ambry Variant Classification Scheme 2023. Collection method: clinical testing. Allele origin: germline.